The following is an entry in ClinVar:

ClinVar aggregate classification (germline): Uncertain significance (1 of 4 stars; one submission).

Conditions:
Hereditary cancer-predisposing syndrome. Also called: Neoplastic Syndromes, Hereditary; Tumor predisposition; Hereditary Cancer Syndrome; Hereditary neoplastic syndrome. Identifiers: Orphanet 140162, MedGen C0027672, MeSH D009386, MONDO:0015356.

gnomAD v4.1: 2 of 1,613,972 alleles (0.00012%); highest among the groups gnomAD compares: South Asian, 0.0022%; no homozygotes.

Submission:

Ambry Genetics
Classification: Uncertain significance for Hereditary cancer-predisposing syndrome. Last evaluated: 2025-12-22. Review status: criteria provided, single submitter. Criteria: Ambry Variant Classification Scheme 2023. Collection method: clinical testing. Allele origin: germline.
Comment: The p.G430A variant (also known as c.1289G>C), located in coding exon 8 of the PDGFRA gene, results from a G to C substitution at nucleotide position 1289. The glycine at codon 430 is replaced by alanine, an amino acid with similar properties. This amino acid position is conserved. In addition, this alteration is predicted to be tolerated by in silico analysis. Since supporting evidence is limited at this time, the clinical significance of this alteration remains unclear.

NM_006206.6(PDGFRA):c.1289G>C (p.Gly430Ala)

Gene: PDGFRA (platelet derived growth factor receptor alpha; plus strand). Cytogenetic location: 4q12.
Variant type: single nucleotide variant.
Coding change: c.1289G>C on transcript NM_006206.6 (MANE Select); coding-DNA position 1289, G replaced by C.
Protein change: p.Gly430Ala; replaces glycine 430 with alanine.
Molecular consequence: missense variant.
Genome position (GRCh38, 1-based): chr4:54,272,445, G>C. VCF-style: chr4-54272445-G-C. GRCh37 (hg19) VCF-style: chr4-55138612-G-C.
Other names: c.1289G>C, p.Gly430Ala (NM_001347827.2, NM_001347829.2); c.1364G>C, p.Gly455Ala (NM_001347828.2); c.1328G>C, p.Gly443Ala (NM_001347830.2); short protein forms G430A, G443A, G455A.
Identifiers: ClinVar variation 2496717 (VCV002496717.3), dbSNP rs202072966, ClinGen allele CA356892237.